The following is an entry in ClinVar:

ClinVar aggregate classification (germline): Uncertain significance (0 of 4 stars; one submission).

Conditions:
BTD-related disorder. Also called: BTD-related condition.

Allele frequency attached by ClinVar (database versions not stated): TOPMed below 0.00001.

Submission:

PreventionGenetics, part of Exact Sciences
Classification: Uncertain significance for BTD-related condition. Last evaluated: 2023-10-27. Review status: no assertion criteria provided. Collection method: clinical testing. Allele origin: germline.
Comment: The BTD c.722G>A variant is predicted to result in the amino acid substitution p.Gly241Asp. To our knowledge, this variant has not been reported in the literature or in a large population database, indicating this variant is rare. At this time, the clinical significance of this variant is uncertain due to the absence of conclusive functional and genetic evidence.

NM_001370658.1(BTD):c.662G>A (p.Gly221Asp)

Gene: BTD (biotinidase; plus strand). Cytogenetic location: 3p25.1.
Variant type: single nucleotide variant.
Coding change: c.662G>A on transcript NM_001370658.1 (MANE Select); coding-DNA position 662, G replaced by A.
Protein change: p.Gly221Asp; replaces glycine 221 with aspartic acid.
Molecular consequence: missense variant. On other transcripts: intron variant (6).
Genome position (GRCh38, 1-based): chr3:15,644,578, G>A. VCF-style: chr3-15644578-G-A. GRCh37 (hg19) VCF-style: chr3-15686085-G-A.
Other names: c.722G>A, p.Gly241Asp (NM_000060.4); c.662G>A, p.Gly221Asp (NM_001407378.1, NM_001407379.1, NM_001407368.1 and 18 more transcripts); c.399+2521G>A (NM_001370753.1, NM_001407400.1, NM_001407380.1 and 3 more transcripts); short protein forms G221D, G241D.
Identifiers: ClinVar variation 3030301 (VCV003030301.2), dbSNP rs2065639133, ClinGen allele CA351606950.